The following is an entry in ClinVar:

NM_000090.4(COL3A1):c.1869+6T>G

Gene: COL3A1 (collagen type III alpha 1 chain; plus strand). Cytogenetic location: 2q32.2.
Variant type: single nucleotide variant.
Coding change: c.1869+6T>G on transcript NM_000090.4 (MANE Select); 6 bases into the intron after coding-DNA position 1869, T replaced by G.
Molecular consequence: intron variant.
Genome position (GRCh38, 1-based): chr2:188,997,395, T>G. VCF-style: chr2-188997395-T-G. GRCh37 (hg19) VCF-style: chr2-189862121-T-G.
Identifiers: ClinVar variation 180297 (VCV000180297.16), dbSNP rs730880063, ClinGen allele CA004670.

ClinVar aggregate classification (germline): Conflicting classifications of pathogenicity. Review status: criteria provided, conflicting classifications (1 of 4 stars). 5 submissions from 5 submitters: Uncertain significance (4); Likely benign (1). Last evaluated 2024-06-06.

Conditions:
COL3A1-related disorder. Also called: COL3A1-related condition.
Ehlers-Danlos syndrome, type 4 (EDSVASC). Also called: Ehlers-Danlos syndrome vascular type; Ehlers Danlos syndrome, ecchymotic type; Ehlers Danlos syndrome, arterial type; Ehlers Danlos syndrome, Sack-Barabas type; Ehlers-Danlos Syndrome Type IV. Identifiers: Orphanet 286, MedGen C0268338, MONDO:0017314, OMIM 130050.

Allele frequency attached by ClinVar (database versions not stated): gnomAD 0.00001; TOPMed 0.00001; gnomAD exomes 0.00009; ExAC 0.00015.
gnomAD v4.1: 29 of 1,613,118 alleles (0.0018%); highest among the groups gnomAD compares: Non-Finnish European, 0.0023%; no homozygotes.

Submissions (5):

Blueprint Genetics
Classification: Likely benign. Last evaluated: 2024-06-06. Review status: criteria provided, single submitter. Criteria: ACMG Guidelines, 2015. Collection method: clinical testing. Allele origin: germline.

Labcorp Genetics (formerly Invitae), Labcorp
Classification: Uncertain significance for Ehlers-Danlos syndrome, type 4. Last evaluated: 2024-05-17. Review status: criteria provided, single submitter. Criteria: Invitae Variant Classification Sherloc (09022015). Collection method: clinical testing. Allele origin: germline.
Comment: This sequence change falls in intron 26 of the COL3A1 gene. It does not directly change the encoded amino acid sequence of the COL3A1 protein. It affects a nucleotide within the consensus splice site. This variant is present in population databases (rs730880063, gnomAD 0.02%). This variant has not been reported in the literature in individuals affected with COL3A1-related conditions. ClinVar contains an entry for this variant (Variation ID: 180297). Variants that disrupt the consensus splice site are a relatively common cause of aberrant splicing (PMID: 17576681, 9536098). Algorithms developed to predict the effect of sequence changes on RNA splicing suggest that this variant may disrupt the consensus splice site. In summary, the available evidence is currently insufficient to determine the role of this variant in disease. Therefore, it has been classified as a Variant of Uncertain Significance.

Clinical Genetics Laboratory, Skane University Hospital Lund
Classification: Uncertain significance. Last evaluated: 2022-10-11. Review status: criteria provided, single submitter. Criteria: ACMG Guidelines, 2015. Collection method: clinical testing. Allele origin: germline. Affected: yes.

GeneDx
Classification: Uncertain significance. Last evaluated: 2022-10-08. Review status: criteria provided, single submitter. Criteria: GeneDx Variant Classification Process June 2021. Collection method: clinical testing. Allele origin: germline. Affected: yes.
Comment: Identified in a patient with vEDS in published literature (Baderkhan et al., 2021); In silico analysis supports a deleterious effect on splicing; This variant is associated with the following publications: (PMID: 33223285)

PreventionGenetics, part of Exact Sciences
Classification: Uncertain significance for COL3A1-related condition. Last evaluated: 2022-09-21. Review status: criteria provided, single submitter. Criteria: ACMG Guidelines, 2015. Collection method: clinical testing. Allele origin: germline.
Comment: The COL3A1 c.1869+6T>G variant is predicted to interfere with splicing. This variant is predicted to alter splicing based on available splicing prediction programs (Alamut Visual v2.11). However, the use of computer prediction programs is not equivalent to functional evidence. To our knowledge, this variant has not been reported in the literature. This variant is reported in 0.017% of alleles in individuals of European (Non-Finnish) descent in gnomAD. At this time, the clinical significance of this variant is uncertain due to the absence of conclusive functional and genetic evidence.

Literature cited by the submitters: PubMed 17576681 (cited by Labcorp Genetics (formerly Invitae), Labcorp); PubMed 9536098 (cited by Labcorp Genetics (formerly Invitae), Labcorp).